The following is an entry in ClinVar:

NM_000038.6(APC):c.5253G>A (p.Gln1751=)

Gene: APC (APC regulator of Wnt signaling pathway; plus strand). Cytogenetic location: 5q22.2.
Variant type: single nucleotide variant.
Coding change: c.5253G>A on transcript NM_000038.6 (MANE Select); coding-DNA position 5253, G replaced by A.
Protein change: p.Gln1751=; no amino-acid change (glutamine 1751 retained).
Molecular consequence: synonymous variant.
Genome position (GRCh38, 1-based): chr5:112,840,847, G>A. VCF-style: chr5-112840847-G-A. GRCh37 (hg19) VCF-style: chr5-112176544-G-A.
Other names: c.5253G>A, p.Gln1751= (NM_001127510.3, NM_001354895.2); c.5199G>A, p.Gln1733= (NM_001127511.3); c.5307G>A, p.Gln1769= (NM_001354896.2); c.5283G>A, p.Gln1761= (NM_001354897.2); c.5178G>A, p.Gln1726= (NM_001354898.2); c.5169G>A, p.Gln1723= (NM_001354899.2); c.5130G>A, p.Gln1710= (NM_001354900.2); c.5076G>A, p.Gln1692= (NM_001354901.2); and 5 more.
Identifiers: ClinVar variation 537623 (VCV000537623.16), dbSNP rs1554086570, ClinGen allele CA446209662.

ClinVar aggregate classification (germline): Benign/Likely benign. Review status: criteria provided, multiple submitters, no conflicts (2 of 4 stars). 4 submissions from 4 submitters: Benign (1); Likely benign (3). Last evaluated 2026-02-03.

Conditions:
Hereditary cancer-predisposing syndrome. Also called: Tumor predisposition; Hereditary Cancer Syndrome; Neoplastic Syndromes, Hereditary; Hereditary neoplastic syndrome. Identifiers: Orphanet 140162, MedGen C0027672, MeSH D009386, MONDO:0015356.
Familial adenomatous polyposis 1 (FAP1). Also called: FAMILIAL ADENOMATOUS POLYPOSIS 1, ATTENUATED; POLYPOSIS, ADENOMATOUS INTESTINAL. Identifiers: MedGen C2713442, MONDO:0021056, OMIM 175100. Disease mechanism: loss of function.

Allele frequency attached by ClinVar (database versions not stated): gnomAD exomes below 0.00001.
gnomAD v4.1: 1 of 1,614,112 alleles (0.000062%); highest among the groups gnomAD compares: Admixed American, 0.0017%; no homozygotes.

Submissions (4):

Ambry Genetics
Classification: Likely benign for Hereditary cancer-predisposing syndrome. Last evaluated: 2026-02-03. Review status: criteria provided, single submitter. Criteria: Ambry Variant Classification Scheme 2023. Collection method: clinical testing. Allele origin: germline.

Labcorp Genetics (formerly Invitae), Labcorp
Classification: Likely benign for Familial adenomatous polyposis 1. Last evaluated: 2024-04-08. Review status: criteria provided, single submitter. Criteria: Invitae Variant Classification Sherloc (09022015). Collection method: clinical testing. Allele origin: germline.

Myriad Genetics, Inc.
Classification: Benign for Familial adenomatous polyposis 1. Last evaluated: 2024-04-01. Review status: criteria provided, single submitter. Criteria: Myriad Autosomal Dominant, Autosomal Recessive and X-Linked Classification Criteria (2023). Collection method: clinical testing. Allele origin: unknown.
Comment: This variant is considered benign. This variant is a silent/synonymous amino acid change and it is not expected to impact splicing.

Color Diagnostics, LLC DBA Color Health
Classification: Likely benign for Hereditary cancer-predisposing syndrome. Last evaluated: 2022-03-31. Review status: criteria provided, single submitter. Criteria: ACMG Guidelines, 2015. Collection method: clinical testing. Allele origin: germline.